The following is an entry in ClinVar:

NM_022436.3(ABCG5):c.197G>A (p.Arg66Lys)

Gene: ABCG5 (ATP binding cassette subfamily G member 5; minus strand). Cytogenetic location: 2p21.
Variant type: single nucleotide variant.
Coding change: c.197G>A on transcript NM_022436.3 (MANE Select); coding-DNA position 197, G replaced by A.
Protein change: p.Arg66Lys; replaces arginine 66 with lysine.
Molecular consequence: missense variant.
Genome position (GRCh38, 1-based): chr2:43,837,902, C>T on the plus strand (G>A on the coding strand, the complement: ABCG5 is on the minus strand). VCF-style: chr2-43837902-C-T. GRCh37 (hg19) VCF-style: chr2-44065041-C-T.
Other names: short protein forms R66K.
Identifiers: ClinVar variation 3992517 (VCV003992517.1).

ClinVar aggregate classification (germline): Uncertain significance (1 of 4 stars; one submission).

Conditions:
Cardiovascular phenotype. Identifiers: MedGen CN230736.

gnomAD v4.1: 2 of 1,614,046 alleles (0.00012%); highest among the groups gnomAD compares: Non-Finnish European, 0.000085%; no homozygotes.

Submission:

Ambry Genetics
Classification: Uncertain significance for Cardiovascular phenotype. Last evaluated: 2025-03-31. Review status: criteria provided, single submitter. Criteria: Ambry Variant Classification Scheme 2023. Collection method: clinical testing. Allele origin: germline.
Comment: The p.R66K variant (also known as c.197G>A), located in coding exon 2 of the ABCG5 gene, results from a G to A substitution at nucleotide position 197. The arginine at codon 66 is replaced by lysine, an amino acid with highly similar properties. This amino acid position is conserved. In addition, this alteration is predicted to be tolerated by in silico analysis. Based on the available evidence, the clinical significance of this variant remains unclear.